The following is an entry in ClinVar:

NM_006506.5(RASA2):c.128A>G (p.Lys43Arg)

Genes: RASA2 (RAS p21 protein activator 2; plus strand), LOC129937686 (ATAC-STARR-seq lymphoblastoid silent region 14777; plus strand). Cytogenetic location: 3q23.
Variant type: single nucleotide variant.
Coding change: c.128A>G on transcript NM_006506.5 (MANE Select); coding-DNA position 128, A replaced by G.
Protein change: p.Lys43Arg; replaces lysine 43 with arginine.
Molecular consequence: missense variant.
Genome position (GRCh38, 1-based): chr3:141,487,211, A>G. VCF-style: chr3-141487211-A-G. GRCh37 (hg19) VCF-style: chr3-141206053-A-G.
Other names: c.128A>G, p.Lys43Arg (NM_001303245.3, NM_001303246.3); short protein forms K43R.
Identifiers: ClinVar variation 4767761 (VCV004767761.1).
Genomic context (GRCh38, chr3:141,487,211, plus strand): 5'-AGCCCGAGGCCGGGGACCAGGACAGTCGCGAGGTTCGAGTGTTGCAGAGCCTGCGGGGCA[A>G]GATCTGTAAGCGGGGGCTGGGCTGAGGGGACGCCCTGGCGGCGCTGGGCGCGAGGCTGAG-3'
Protein context (NP_006497.2, residues 33-53): EVRVLQSLRG[Lys43Arg]ICEAKNLLPY

ClinVar aggregate classification (germline): Uncertain significance (1 of 4 stars; one submission).

gnomAD v4.1: 5 of 1,424,162 alleles (0.00035%); highest among the groups gnomAD compares: African/African-American, 0.003%; no homozygotes.

Submission:

Labcorp Genetics (formerly Invitae), Labcorp
Classification: Uncertain significance. Last evaluated: 2025-11-19. Review status: criteria provided, single submitter. Criteria: Invitae Variant Classification Sherloc (09022015). Collection method: clinical testing. Allele origin: germline.
Comment: This sequence change replaces lysine, which is basic and polar, with arginine, which is basic and polar, at codon 43 of the RASA2 protein (p.Lys43Arg). This variant is not present in population databases (gnomAD no frequency). This variant has not been reported in the literature in individuals affected with RASA2-related conditions. An algorithm developed to predict the effect of missense changes on protein structure and function outputs the following: PolyPhen-2: "Benign". The arginine amino acid residue is found in multiple mammalian species, which suggests that this missense change does not adversely affect protein function. In summary, the available evidence is currently insufficient to determine the role of this variant in disease. Therefore, it has been classified as a Variant of Uncertain Significance.